The following is an entry in ClinVar:

NM_004656.4(BAP1):c.1433T>C (p.Val478Ala)

Gene: BAP1 (BRCA1 associated deubiquitinase 1; minus strand). Cytogenetic location: 3p21.1.
Variant type: single nucleotide variant.
Coding change: c.1433T>C on transcript NM_004656.4 (MANE Select); coding-DNA position 1433, T replaced by C.
Protein change: p.Val478Ala; replaces valine 478 with alanine.
Molecular consequence: missense variant.
Genome position (GRCh38, 1-based): chr3:52,403,712, A>G on the plus strand (T>C on the coding strand, the complement: BAP1 is on the minus strand). VCF-style: chr3-52403712-A-G. GRCh37 (hg19) VCF-style: chr3-52437728-A-G.
Other names: c.1379T>C, p.Val460Ala (NM_001410772.1); short protein forms V460A, V478A.
Identifiers: ClinVar variation 5032745 (VCV005032745.1).

ClinVar aggregate classification (germline): Uncertain significance (1 of 4 stars; one submission).

Conditions:
Hereditary cancer-predisposing syndrome. Also called: Neoplastic Syndromes, Hereditary; Tumor predisposition; Hereditary neoplastic syndrome; Hereditary Cancer Syndrome. Identifiers: Orphanet 140162, MedGen C0027672, MeSH D009386, MONDO:0015356.

Submission:

Ambry Genetics
Classification: Uncertain significance for Hereditary cancer-predisposing syndrome. Last evaluated: 2026-07-30. Review status: criteria provided, single submitter. Criteria: Ambry Variant Classification Scheme 2023. Collection method: clinical testing. Allele origin: germline.
Comment: The p.V478A variant (also known as c.1433T>C), located in coding exon 13 of the BAP1 gene, results from a T to C substitution at nucleotide position 1433. The valine at codon 478 is replaced by alanine, an amino acid with similar properties. This amino acid position is conserved. In addition, this alteration is predicted to be tolerated by in silico analysis. Based on the available evidence, the clinical significance of this variant remains unclear.